The following is an entry in ClinVar:

ClinVar aggregate classification (germline): Uncertain significance (0 of 4 stars; one submission).

Conditions:
RAB23-related disorder. Also called: RAB23-related condition.

gnomAD v4.1: 7 of 1,614,112 alleles (0.00043%); highest among the groups gnomAD compares: Non-Finnish European, 0.00059%; no homozygotes.

Submission:

PreventionGenetics, part of Exact Sciences
Classification: Uncertain significance for RAB23-related condition. Last evaluated: 2024-04-29. Review status: no assertion criteria provided. Collection method: clinical testing. Allele origin: germline.
Comment: The RAB23 c.32A>G variant is predicted to result in the amino acid substitution p.Lys11Arg. To our knowledge, this variant has not been reported in the literature or in a large population database, indicating this variant is rare. At this time, the clinical significance of this variant is uncertain due to the absence of conclusive functional and genetic evidence.

NM_016277.5(RAB23):c.32A>G (p.Lys11Arg)

Gene: RAB23 (RAB23, member RAS oncogene family; minus strand). Cytogenetic location: 6p11.2.
Variant type: single nucleotide variant.
Coding change: c.32A>G on transcript NM_016277.5 (MANE Select); coding-DNA position 32, A replaced by G.
Protein change: p.Lys11Arg; replaces lysine 11 with arginine.
Molecular consequence: missense variant. On other transcripts: non-coding transcript variant (1).
Genome position (GRCh38, 1-based): chr6:57,210,349, T>C on the plus strand (A>G on the coding strand, the complement: RAB23 is on the minus strand). VCF-style: chr6-57210349-T-C. GRCh37 (hg19) VCF-style: chr6-57075147-T-C.
Other names: c.32A>G, p.Lys11Arg (NM_001278666.2, NM_001278667.2, NM_001278668.2 and 1 more transcripts); short protein forms K11R.
Identifiers: ClinVar variation 3347953 (VCV003347953.1).